The following is an entry in ClinVar:

NM_017637.6(BNC2):c.3043C>G (p.Leu1015Val)

Gene: BNC2 (basonuclin zinc finger protein 2; minus strand). Cytogenetic location: 9p22.3.
Variant type: single nucleotide variant.
Coding change: c.3043C>G on transcript NM_017637.6 (MANE Select); coding-DNA position 3043, C replaced by G.
Protein change: p.Leu1015Val; replaces leucine 1015 with valine.
Molecular consequence: missense variant. On other transcripts: 3 prime UTR variant (1).
Genome position (GRCh38, 1-based): chr9:16,419,246, G>C on the plus strand (C>G on the coding strand, the complement: BNC2 is on the minus strand). VCF-style: chr9-16419246-G-C. GRCh37 (hg19) VCF-style: chr9-16419244-G-C.
Other names: c.*387C>G (NM_001317939.2); c.2758C>G, p.Leu920Val (NM_001317940.2); short protein forms L1015V, L920V.
Identifiers: ClinVar variation 4744227 (VCV004744227.1).

ClinVar aggregate classification (germline): Uncertain significance (1 of 4 stars; one submission).

Submission:

Labcorp Genetics (formerly Invitae), Labcorp
Classification: Uncertain significance. Last evaluated: 2025-08-16. Review status: criteria provided, single submitter. Criteria: Invitae Variant Classification Sherloc (09022015). Collection method: clinical testing. Allele origin: germline.
Comment: This sequence change replaces leucine, which is neutral and non-polar, with valine, which is neutral and non-polar, at codon 1015 of the BNC2 protein (p.Leu1015Val). This variant is not present in population databases (gnomAD no frequency). This variant has not been reported in the literature in individuals affected with BNC2-related conditions. An algorithm developed to predict the effect of missense changes on protein structure and function (PolyPhen-2) suggests that this variant is likely to be tolerated. In summary, the available evidence is currently insufficient to determine the role of this variant in disease. Therefore, it has been classified as a Variant of Uncertain Significance.